The following is an entry in ClinVar:

ClinVar aggregate classification (germline): Likely pathogenic. Review status: criteria provided, single submitter (1 of 4 stars). 2 submissions from 2 submitters: Likely pathogenic (1). 1 of the submissions does not count toward it. Last evaluated 2021-01-10.

Conditions:
Hereditary cancer-predisposing syndrome. Also called: Hereditary Cancer Syndrome; Hereditary neoplastic syndrome; Tumor predisposition; Neoplastic Syndromes, Hereditary. Identifiers: Orphanet 140162, MedGen C0027672, MeSH D009386, MONDO:0015356.

Submissions (2):

Quest Diagnostics Nichols Institute San Juan Capistrano
Classification: Likely pathogenic. Last evaluated: 2021-01-10. Review status: criteria provided, single submitter. Criteria: Quest Diagnostics criteria. Collection method: clinical testing. Allele origin: unknown.
Comment: This frameshift variant is predicted to cause the premature termination of MSH6 protein synthesis. To the best of our knowledge, the variant has not been reported in the published literature. This variant has not been reported in large, multi-ethnic general populations. Based on the available information, we predict that the variant is likely pathogenic.

True Health Diagnostics
Classification: Likely pathogenic for Hereditary cancer-predisposing syndrome. Last evaluated: 2017-09-29. Review status: no assertion criteria provided. Collection method: clinical testing. Allele origin: germline. Not counted in ClinVar's aggregate classification.

NM_000179.3(MSH6):c.1513dup (p.Tyr505fs)

Gene: MSH6 (mutS homolog 6; plus strand). Cytogenetic location: 2p16.3.
Variant type: Duplication.
Coding change: c.1513dup on transcript NM_000179.3 (MANE Select); coding-DNA position 1513, one base duplicated (T; older notation c.1513dupT).
Protein change: p.Tyr505fs; shifts the reading frame from tyrosine 505.
Molecular consequence: frameshift variant.
Genome position (GRCh38, 1-based): chr2:47,799,496, T duplicated. VCF-style (leftmost placement, unchanged base first): chr2-47799495-G-GT. GRCh37 (hg19) VCF-style: chr2-48026634-G-GT.
Other names: c.1123dup, p.Tyr375fs (NM_001281492.2); c.607dup, p.Tyr203fs (NM_001281493.2, NM_001281494.2); c.1513dupT (NM_000179.2); short protein forms Y375fs, Y505fs, Y203fs.
Identifiers: ClinVar variation 549721 (VCV000549721.2), dbSNP rs1553412912, ClinGen allele CA658822254.